The following is an entry in ClinVar:

ClinVar aggregate classification (germline): Uncertain significance (1 of 4 stars; one submission).

Allele frequency attached by ClinVar (database versions not stated): gnomAD exomes below 0.00001.

Submission:

Labcorp Genetics (formerly Invitae), Labcorp
Classification: Uncertain significance. Last evaluated: 2024-10-22. Review status: criteria provided, single submitter. Criteria: Invitae Variant Classification Sherloc (09022015). Collection method: clinical testing. Allele origin: germline.
Comment: This sequence change affects codon 891 of the EMC1 mRNA. It is a 'silent' change, meaning that it does not change the encoded amino acid sequence of the EMC1 protein. It affects a nucleotide within the consensus splice site. This variant is not present in population databases (gnomAD no frequency). This variant has not been reported in the literature in individuals affected with EMC1-related conditions. ClinVar contains an entry for this variant (Variation ID: 1948083). Algorithms developed to predict the effect of sequence changes on RNA splicing suggest that this variant may disrupt the consensus splice site. In summary, the available evidence is currently insufficient to determine the role of this variant in disease. Therefore, it has been classified as a Variant of Uncertain Significance.

NM_015047.3(EMC1):c.2671A>C (p.Arg891=)

Genes: EMC1 (ER membrane protein complex subunit 1; minus strand), EMC1-AS1 (EMC1 antisense RNA 1; plus strand). Cytogenetic location: 1p36.13.
Variant type: single nucleotide variant.
Coding change: c.2671A>C on transcript NM_015047.3 (MANE Select); coding-DNA position 2671, A replaced by C.
Protein change: p.Arg891=; no amino-acid change (arginine 891 retained).
Molecular consequence: synonymous variant.
Genome position (GRCh38, 1-based): chr1:19,220,765, T>G on the plus strand (A>C on the coding strand, the complement: EMC1 is on the minus strand). VCF-style: chr1-19220765-T-G. GRCh37 (hg19) VCF-style: chr1-19547259-T-G.
Other names: c.2668A>C, p.Arg890= (NM_001271427.2, NM_001271428.2); c.2605A>C, p.Arg869= (NM_001271429.2); c.2680A>C, p.Arg894= (NM_001375820.1); c.2677A>C, p.Arg893= (NM_001375821.1).
Identifiers: ClinVar variation 1948083 (VCV001948083.5), dbSNP rs2536649039, ClinGen allele CA338751421.